The following is an entry in ClinVar:

NM_003070.5(SMARCA2):c.847C>T (p.Pro283Ser)

Gene: SMARCA2 (SWI/SNF related BAF chromatin remodeling complex subunit ATPase 2; plus strand). Cytogenetic location: 9p24.3.
Variant type: single nucleotide variant.
Coding change: c.847C>T on transcript NM_003070.5 (MANE Select); coding-DNA position 847, C replaced by T.
Protein change: p.Pro283Ser; replaces proline 283 with serine.
Molecular consequence: missense variant.
Genome position (GRCh38, 1-based): chr9:2,047,285, C>T. VCF-style: chr9-2047285-C-T. GRCh37 (hg19) VCF-style: chr9-2047285-C-T.
Other names: c.847C>T, p.Pro283Ser (NM_001289396.2, NM_001289397.2, NM_139045.4); short protein forms P283S.
Identifiers: ClinVar variation 1763529 (VCV001763529.3), dbSNP rs2537243206, ClinGen allele CA372780808.
Genomic context (GRCh38, chr9:2,047,285, plus strand): 5'-GCAGGCCCGGGGCCGGAGCTGAGCGGCCCGAGCACCCCGCAGAAGCTGCCGGTGCCCGCG[C>T]CCGGCGGCCGGCCCTCGCCCGCGCCCCCCGCAGCCGCGCAGCCGCCCGCGGCCGCAGTGC-3'
Protein context (NP_003061.3, residues 273-293): STPQKLPVPA[Pro283Ser]GGRPSPAPPA

ClinVar aggregate classification (germline): Conflicting classifications of pathogenicity. Review status: criteria provided, conflicting classifications (1 of 4 stars). 2 submissions from 2 submitters: Uncertain significance (1); Likely benign (1). Last evaluated 2026-08-01.

Conditions:
Inborn genetic diseases. Identifiers: MedGen C0950123, MeSH D030342.

Submissions (2):

CeGaT Center for Human Genetics Tuebingen
Classification: Uncertain significance. Last evaluated: 2026-08-01. Review status: criteria provided, single submitter. Criteria: CeGaT Center For Human Genetics Tuebingen Variant Classification Criteria Version 2. Collection method: clinical testing. Allele origin: germline. Affected: yes. Observed: 1 variant allele.
Comment: SMARCA2: PM2, PP2

Ambry Genetics
Classification: Likely benign for Inborn genetic diseases. Last evaluated: 2018-06-18. Review status: criteria provided, single submitter. Criteria: Ambry Variant Classification Scheme 2023. Collection method: clinical testing. Allele origin: germline.